The following is an entry in ClinVar:

NM_203447.4(DOCK8):c.688C>T (p.Arg230Trp)

Gene: DOCK8 (dedicator of cytokinesis 8; plus strand). Cytogenetic location: 9p24.3.
Variant type: single nucleotide variant.
Coding change: c.688C>T on transcript NM_203447.4 (MANE Select); coding-DNA position 688, C replaced by T.
Protein change: p.Arg230Trp; replaces arginine 230 with tryptophan.
Molecular consequence: missense variant.
Genome position (GRCh38, 1-based): chr9:312,113, C>T. VCF-style: chr9-312113-C-T. GRCh37 (hg19) VCF-style: chr9-312113-C-T.
Other names: c.484C>T, p.Arg162Trp (NM_001190458.2, NM_001193536.2); c.688C>T (NM_203447.3); short protein forms R162W, R230W.
Identifiers: ClinVar variation 1398914 (VCV001398914.6), dbSNP rs768146746, ClinGen allele CA4957368.

ClinVar aggregate classification (germline): Uncertain significance. Review status: criteria provided, multiple submitters, no conflicts (2 of 4 stars). 2 submissions from 2 submitters: Uncertain significance (2). Last evaluated 2024-07-07.

Conditions:
Combined immunodeficiency due to DOCK8 deficiency (HIES2). Also called: Hyper-IgE recurrent infection syndrome, autosomal recessive; HIES autosomal recessive; HYPER-IgE RECURRENT INFECTION SYNDROME 2, AUTOSOMAL RECESSIVE; DOCK8 Deficiency; HYPER-IgE SYNDROME 2, AUTOSOMAL RECESSIVE, WITH RECURRENT INFECTIONS. Identifiers: Orphanet 217390, MedGen C4722305, MONDO:0009478, OMIM 243700.
Inborn genetic diseases. Identifiers: MedGen C0950123, MeSH D030342.

Allele frequency attached by ClinVar (database versions not stated): gnomAD 0.00001; gnomAD exomes 0.00001; ExAC 0.00002; TOPMed 0.00002.

Submissions (2):

Ambry Genetics
Classification: Uncertain significance for Inborn genetic diseases. Last evaluated: 2024-07-07. Review status: criteria provided, single submitter. Criteria: Ambry Variant Classification Scheme 2023. Collection method: clinical testing. Allele origin: germline.

Labcorp Genetics (formerly Invitae), Labcorp
Classification: Uncertain significance for Combined immunodeficiency due to DOCK8 deficiency. Last evaluated: 2022-07-05. Review status: criteria provided, single submitter. Criteria: Invitae Variant Classification Sherloc (09022015). Collection method: clinical testing. Allele origin: germline.
Comment: This sequence change replaces arginine, which is basic and polar, with tryptophan, which is neutral and slightly polar, at codon 230 of the DOCK8 protein (p.Arg230Trp). This variant is present in population databases (rs768146746, gnomAD 0.007%). This variant has not been reported in the literature in individuals affected with DOCK8-related conditions. ClinVar contains an entry for this variant (Variation ID: 1398914). Algorithms developed to predict the effect of missense changes on protein structure and function are either unavailable or do not agree on the potential impact of this missense change (SIFT: "Deleterious"; PolyPhen-2: "Probably Damaging"; Align-GVGD: "Class C0"). In summary, the available evidence is currently insufficient to determine the role of this variant in disease. Therefore, it has been classified as a Variant of Uncertain Significance.